The following is an entry in ClinVar:

NM_000512.5(GALNS):c.301A>G (p.Asn101Asp)

Gene: GALNS (galactosamine (N-acetyl)-6-sulfatase; minus strand). Cytogenetic location: 16q24.3.
Variant type: single nucleotide variant.
Coding change: c.301A>G on transcript NM_000512.5 (MANE Select); coding-DNA position 301, A replaced by G.
Protein change: p.Asn101Asp; replaces asparagine 101 with aspartic acid.
Molecular consequence: missense variant. On other transcripts: 5 prime UTR variant (1).
Genome position (GRCh38, 1-based): chr16:88,841,915, T>C on the plus strand (A>G on the coding strand, the complement: GALNS is on the minus strand). VCF-style: chr16-88841915-T-C. GRCh37 (hg19) VCF-style: chr16-88908323-T-C.
Other names: c.-255A>G (NM_001323543.2); c.319A>G, p.Asn107Asp (NM_001323544.2); short protein forms N101D, N107D.
Identifiers: ClinVar variation 3242165 (VCV003242165.1), dbSNP rs2543573727.

ClinVar aggregate classification (germline): Likely pathogenic (1 of 4 stars; one submission).

Conditions:
Mucopolysaccharidosis, MPS-IV-A (MPS4A). Also called: Morquio syndrome A, mild; MORQUIO SYNDROME A; GALACTOSAMINE-6-SULFATASE DEFICIENCY; GALNS DEFICIENCY; MORQUIO A DISEASE; Mucopolysaccharidosis type IV A. Identifiers: Orphanet 309297, Orphanet 582, MedGen C0086651, MONDO:0009659, OMIM 253000.

Submission:

Neuberg Centre For Genomic Medicine, NCGM
Classification: Likely pathogenic for Mucopolysaccharidosis, MPS-IV-A. Review status: criteria provided, single submitter. Criteria: ACMG Guidelines, 2015. Collection method: clinical testing. Allele origin: germline. Inheritance: Autosomal recessive inheritance. Affected: yes.
Comment: The missense c.301A>G(p.Asn101Asp) variant in the GALNS gene which is located in a mutational hot spot has not been reported previously as a pathogenic variant nor as a benign variant, to our knowledge. This variant is absent in gnomAD Exomes. The amino acid Asparagine at position 101 is changed to an Aspartic Acid changing the protein sequence and it might alter its composition and physico-chemical properties. Multiple lines of computational evidence (Polyphen - Damaging, SIFT - Damaging and MutationTaster - Disease causing) predict a damaging effect on protein structure and function for this variant. The amino acid change p.Asn101Asp in GALNS is predicted as conserved by GERP++ and PhyloP across 100 vertebrates. For these reasons, this variant has been classified as Likely Pathogenic.